The following is an entry in ClinVar:

NM_015466.4(PTPN23):c.3284G>C (p.Gly1095Ala)

Gene: PTPN23 (protein tyrosine phosphatase non-receptor type 23; plus strand). Cytogenetic location: 3p21.31.
Variant type: single nucleotide variant.
Coding change: c.3284G>C on transcript NM_015466.4 (MANE Select); coding-DNA position 3284, G replaced by C.
Protein change: p.Gly1095Ala; replaces glycine 1095 with alanine.
Molecular consequence: missense variant.
Genome position (GRCh38, 1-based): chr3:47,411,082, G>C. VCF-style: chr3-47411082-G-C. GRCh37 (hg19) VCF-style: chr3-47452572-G-C.
Other names: c.3284G>C (NM_015466.3); c.2906G>C, p.Gly969Ala (NM_001304482.2); short protein forms G1095A, G969A.
Identifiers: ClinVar variation 1569050 (VCV001569050.11), dbSNP rs138127717, ClinGen allele CA2366234.
Genomic context (GRCh38, chr3:47,411,082, plus strand): 5'-CTGGCCAGTCCACCCCTAGTCCCCACCTGGTGCCTTCACCTGCCCCATCTCCAGGGCCTG[G>C]TCCGGTACCCCCTCGCCCCCCAGCAGCAGAACCACCCCCTTGCCTGCGCCGAGGCGCCGC-3'
Protein context (NP_056281.1, residues 1085-1105): VPSPAPSPGP[Gly1095Ala]PVPPRPPAAE

ClinVar aggregate classification (germline): Likely benign. Review status: criteria provided, multiple submitters, no conflicts (2 of 4 stars). 3 submissions from 3 submitters: Likely benign (2). 1 of the submissions does not count toward it. Last evaluated 2025-12-21.

Conditions:
Neurodevelopmental disorder and structural brain anomalies with or without seizures and spasticity. Identifiers: MedGen C5394423, MONDO:0030046, OMIM 618890.
PTPN23-related disorder. Also called: PTPN23-related condition.

Allele frequency attached by ClinVar (database versions not stated): ExAC 0.00025; gnomAD 0.00077 and 0.00087; gnomAD exomes 0.00020; 1000 Genomes Project 30x 0.00031; 1000 Genomes Project 0.00020; TOPMed 0.00104; ESP Exome Variant Server 0.00116.
gnomAD v4.1: 231 of 1,589,790 alleles (0.015%); highest among the groups gnomAD compares: African/African-American, 0.27%; 1 homozygote.

Submissions (3):

Labcorp Genetics (formerly Invitae), Labcorp
Classification: Likely benign. Last evaluated: 2025-12-21. Review status: criteria provided, single submitter. Criteria: Invitae Variant Classification Sherloc (09022015). Collection method: clinical testing. Allele origin: germline.

ARUP Laboratories, Molecular Genetics and Genomics, ARUP Laboratories
Classification: Likely benign for Neurodevelopmental disorder and structural brain anomalies with or without seizures and spasticity. Last evaluated: 2025-03-17. Review status: criteria provided, single submitter. Criteria: ARUP Molecular Germline Variant Investigation Process 2024. Collection method: clinical testing. Allele origin: germline.

PreventionGenetics, part of Exact Sciences
Classification: Likely benign for PTPN23-related condition. Last evaluated: 2023-02-15. Review status: no assertion criteria provided. Collection method: clinical testing. Allele origin: germline. Not counted in ClinVar's aggregate classification.
Comment: This variant is classified as likely benign based on ACMG/AMP sequence variant interpretation guidelines (Richards et al. 2015 PMID: 25741868, with internal and published modifications).